The following is an entry in ClinVar:

ClinVar aggregate classification (germline): Uncertain significance (1 of 4 stars; one submission).

Submission:

GeneDx
Classification: Uncertain significance. Last evaluated: 2024-12-16. Review status: criteria provided, single submitter. Criteria: GeneDx Variant Classification Process June 2021. Collection method: clinical testing. Allele origin: germline.
Comment: Not observed at significant frequency in large population cohorts (gnomAD); In silico analysis supports that this missense variant has a deleterious effect on protein structure/function; Has not been previously published as pathogenic or benign to our knowledge

NM_001961.4(EEF2):c.1474C>G (p.His492Asp)

Gene: EEF2 (eukaryotic translation elongation factor 2; minus strand). Cytogenetic location: 19p13.3.
Variant type: single nucleotide variant.
Coding change: c.1474C>G on transcript NM_001961.4 (MANE Select); coding-DNA position 1474, C replaced by G.
Protein change: p.His492Asp; replaces histidine 492 with aspartic acid.
Molecular consequence: missense variant.
Genome position (GRCh38, 1-based): chr19:3,979,939, G>C on the plus strand (C>G on the coding strand, the complement: EEF2 is on the minus strand). VCF-style: chr19-3979939-G-C. GRCh37 (hg19) VCF-style: chr19-3979937-G-C.
Other names: short protein forms H492D.
Identifiers: ClinVar variation 3365811 (VCV003365811.2).